The following is an entry in ClinVar:

ClinVar aggregate classification (germline): Conflicting classifications of pathogenicity. Review status: criteria provided, conflicting classifications (1 of 4 stars). 3 submissions from 3 submitters: Uncertain significance (1); Benign (1); Likely benign (1). Last evaluated 2025-12-14.

Conditions:
Combined immunodeficiency due to LRBA deficiency. Also called: Common variable immunodeficiency 8, with autoimmunity. Identifiers: Orphanet 445018, MedGen C3553512, MONDO:0013863, OMIM 614700.

Allele frequency attached by ClinVar (database versions not stated): gnomAD 0.00030 and 0.00044; gnomAD exomes 0.00040 and 0.00094; TOPMed 0.00074; ExAC 0.00095; 1000 Genomes Project 30x 0.00219; 1000 Genomes Project 0.00240.
gnomAD v4.1: 658 of 1,612,792 alleles (0.041%); highest among the groups gnomAD compares: East Asian, 1.3%; 6 homozygotes.

Submissions (3):

Labcorp Genetics (formerly Invitae), Labcorp
Classification: Benign for Combined immunodeficiency due to LRBA deficiency. Last evaluated: 2025-12-14. Review status: criteria provided, single submitter. Criteria: Invitae Variant Classification Sherloc (09022015). Collection method: clinical testing. Allele origin: germline.

Blueprint Genetics
Classification: Uncertain significance. Last evaluated: 2024-11-08. Review status: criteria provided, single submitter. Criteria: ACMG Guidelines, 2015. Collection method: clinical testing. Allele origin: germline.

CeGaT Center for Human Genetics Tuebingen
Classification: Likely benign. Last evaluated: 2024-07-01. Review status: criteria provided, single submitter. Criteria: CeGaT Center For Human Genetics Tuebingen Variant Classification Criteria Version 2. Collection method: clinical testing. Allele origin: germline. Affected: yes. Observed: 1 variant allele.
Comment: LRBA: BS1

NM_001364905.1(LRBA):c.7016G>T (p.Ser2339Ile)

Gene: LRBA (LPS responsive beige-like anchor protein; minus strand). Cytogenetic location: 4q31.3.
Variant type: single nucleotide variant.
Coding change: c.7016G>T on transcript NM_001364905.1 (MANE Select); coding-DNA position 7016, G replaced by T.
Protein change: p.Ser2339Ile; replaces serine 2339 with isoleucine.
Molecular consequence: missense variant.
Genome position (GRCh38, 1-based): chr4:150,435,614, C>A on the plus strand (G>T on the coding strand, the complement: LRBA is on the minus strand). VCF-style: chr4-150435614-C-A. GRCh37 (hg19) VCF-style: chr4-151356766-C-A.
Other names: c.7016G>T, p.Ser2339Ile (NM_001199282.3, NM_001367550.1); c.7049G>T, p.Ser2350Ile (NM_006726.5); short protein forms S2339I, S2350I.
Identifiers: ClinVar variation 784690 (VCV000784690.29), dbSNP rs183574413, ClinGen allele CA3101760.